The following is an entry in ClinVar:

NM_000530.8(MPZ):c.397C>A (p.Pro133Thr)

Gene: MPZ (myelin protein zero; minus strand). Cytogenetic location: 1q23.3.
Variant type: single nucleotide variant.
Coding change: c.397C>A on transcript NM_000530.8 (MANE Select); coding-DNA position 397, C replaced by A.
Protein change: p.Pro133Thr; replaces proline 133 with threonine.
Molecular consequence: missense variant.
Genome position (GRCh38, 1-based): chr1:161,306,759, G>T on the plus strand (C>A on the coding strand, the complement: MPZ is on the minus strand). VCF-style: chr1-161306759-G-T. GRCh37 (hg19) VCF-style: chr1-161276549-G-T.
Other names: c.397C>A (LRG_256t1); c.397C>A, p.Pro133Thr (NM_001315491.2); short protein forms P133T.
Identifiers: ClinVar variation 462797 (VCV000462797.11), dbSNP rs1553259648, ClinGen allele CA343348701.

ClinVar aggregate classification (germline): Pathogenic/Likely pathogenic. Review status: criteria provided, multiple submitters, no conflicts (2 of 4 stars). 2 submissions from 2 submitters: Pathogenic (1); Likely pathogenic (1). Last evaluated 2022-07-05.

Conditions:
Charcot-Marie-Tooth disease, type I (CMT1). Also called: Charcot-Marie-Tooth, Type 1; Charcot-Marie-Tooth disease type 1. Identifiers: Orphanet 65753, MedGen C0751036, MONDO:0019011.
Charcot-Marie-Tooth disease type 1B. Also called: CHARCOT-MARIE-TOOTH DISEASE, AUTOSOMAL DOMINANT, WITH FOCALLY FOLDED MYELIN SHEATHS, TYPE 1B; CHARCOT-MARIE-TOOTH DISEASE, SLOW NERVE CONDUCTION TYPE, LINKED TO DUFFY; CHARCOT-MARIE-TOOTH NEUROPATHY, TYPE 1B; HEREDITARY MOTOR AND SENSORY NEUROPATHY I; HEREDITARY MOTOR AND SENSORY NEUROPATHY IB; PERONEAL MUSCULAR ATROPHY. Identifiers: Orphanet 101082, MedGen C0270912, MONDO:0007307, OMIM 118200.
Charcot-Marie-Tooth disease dominant intermediate D. Also called: CHARCOT-MARIE-TOOTH NEUROPATHY, DOMINANT INTERMEDIATE D; Charcot-Marie-Tooth disease dominant intermediate 3; CMT DI3. Identifiers: Orphanet 100046, MedGen C1843075, MONDO:0011909, OMIM 607791.
Roussy-Lévy syndrome. Also called: Roussy-Levy Syndrome; Roussy Levy hereditary areflexic dystasia; Roussy-Levy disease; Hereditary areflexic dystasia. Identifiers: Orphanet 3115, MedGen C0205713, MONDO:0008392, OMIM 180800.
Charcot-Marie-Tooth disease type 2I (CMT2I). Also called: CHARCOT-MARIE-TOOTH DISEASE, AXONAL, TYPE 2I. Identifiers: Orphanet 99942, MedGen C3888087, MONDO:0011889, OMIM 607677.
Charcot-Marie-Tooth disease type 4E (CHN1). Also called: Congenital Hypomyelination; HYPOMYELINATION, SEVERE CONGENITAL; Congenital hypomyelinating neuropathy 1, autosomal recessive; CHARCOT-MARIE-TOOTH DISEASE, DEMYELINATING, TYPE 4E; Hypomyelinating neuropathy, congenital, 1. Identifiers: Orphanet 99951, MedGen C4721436, MONDO:0011527, OMIM 605253.
Dejerine-Sottas disease. Also called: DEJERINE-SOTTAS NEUROPATHY; HEREDITARY MOTOR AND SENSORY NEUROPATHY TYPE III; HMSN Type III; Hereditary motor and sensory neuropathy 3; Charcot-Marie-Tooth disease type 3. Identifiers: Orphanet 64748, MedGen C0011195, MONDO:0007790, OMIM 145900.
Charcot-Marie-Tooth disease type 2J (CMT2J). Also called: CHARCOT-MARIE-TOOTH DISEASE, AXONAL, TYPE 2J; CHARCOT-MARIE-TOOTH DISEASE, TYPE 2, WITH HEARING LOSS AND PUPILLARY ABNORMALITIES; CHARCOT-MARIE-TOOTH NEUROPATHY, TYPE 2J. Identifiers: Orphanet 99943, MedGen C1843153, MONDO:0011903, OMIM 607736.

Submissions (2):

Labcorp Genetics (formerly Invitae), Labcorp
Classification: Pathogenic for Charcot-Marie-Tooth disease, type I. Last evaluated: 2022-07-05. Review status: criteria provided, single submitter. Criteria: Invitae Variant Classification Sherloc (09022015). Collection method: clinical testing. Allele origin: germline.
Comment: For these reasons, this variant has been classified as Pathogenic. This variant disrupts the p.Pro133 amino acid residue in MPZ. Other variant(s) that disrupt this residue have been observed in individuals with MPZ-related conditions (PMID: 22433810, 26310628), which suggests that this may be a clinically significant amino acid residue. Algorithms developed to predict the effect of missense changes on protein structure and function (SIFT, PolyPhen-2, Align-GVGD) all suggest that this variant is likely to be disruptive. ClinVar contains an entry for this variant (Variation ID: 462797). This missense change has been observed in individual(s) with Charcot-Marie-Tooth disease (Invitae). In at least one individual the variant was observed to be de novo. This variant is not present in population databases (gnomAD no frequency). This sequence change replaces proline, which is neutral and non-polar, with threonine, which is neutral and polar, at codon 133 of the MPZ protein (p.Pro133Thr).

Fulgent Genetics
Classification: Likely pathogenic for Charcot-Marie-Tooth disease type 1B; Dejerine-Sottas disease; Roussy-Lévy syndrome; Charcot-Marie-Tooth disease type 4E; Charcot-Marie-Tooth disease type 2I; Charcot-Marie-Tooth disease type 2J; Charcot-Marie-Tooth disease dominant intermediate D. Last evaluated: 2018-10-31. Review status: criteria provided, single submitter. Criteria: ACMG Guidelines, 2015. Collection method: clinical testing. Allele origin: unknown.

Literature cited by the submitters: PubMed 22433810 (cited by Labcorp Genetics (formerly Invitae), Labcorp); PubMed 26310628 (cited by Labcorp Genetics (formerly Invitae), Labcorp).